The following is an entry in ClinVar:

NM_005732.4(RAD50):c.1682A>T (p.Asp561Val)

Gene: RAD50 (RAD50 double strand break repair protein; plus strand). Cytogenetic location: 5q31.1.
Variant type: single nucleotide variant.
Coding change: c.1682A>T on transcript NM_005732.4 (MANE Select); coding-DNA position 1682, A replaced by T.
Protein change: p.Asp561Val; replaces aspartic acid 561 with valine.
Molecular consequence: missense variant.
Genome position (GRCh38, 1-based): chr5:132,591,923, A>T. VCF-style: chr5-132591923-A-T. GRCh37 (hg19) VCF-style: chr5-131927615-A-T.
Other names: short protein forms D561V.
Identifiers: ClinVar variation 2812752 (VCV002812752.3), dbSNP rs2479643500, ClinGen allele CA360946423.
Genomic context (GRCh38, chr5:132,591,923, plus strand): 5'-TTTTTTACCTATAGGCTGACAAAGATGAACAAATCAGAAAAATAAAATCTAGGCACAGTG[A>T]TGAATTAACCTCACTGTTGGGATATTTTCCCAACAAAAAACAGCTTGAAGACTGGCTACA-3'
Protein context (NP_005723.2, residues 551-571): QIRKIKSRHS[Asp561Val]ELTSLLGYFP

ClinVar aggregate classification (germline): Uncertain significance (1 of 4 stars; one submission).

Conditions:
Hereditary cancer-predisposing syndrome. Also called: Tumor predisposition; Hereditary Cancer Syndrome; Hereditary neoplastic syndrome; Neoplastic Syndromes, Hereditary. Identifiers: Orphanet 140162, MedGen C0027672, MeSH D009386, MONDO:0015356.

Submission:

Labcorp Genetics (formerly Invitae), Labcorp
Classification: Uncertain significance for Hereditary cancer-predisposing syndrome. Last evaluated: 2022-11-08. Review status: criteria provided, single submitter. Criteria: Invitae Variant Classification Sherloc (09022015). Collection method: clinical testing. Allele origin: germline.
Comment: This sequence change replaces aspartic acid, which is acidic and polar, with valine, which is neutral and non-polar, at codon 561 of the RAD50 protein (p.Asp561Val). This variant is not present in population databases (gnomAD no frequency). This variant has not been reported in the literature in individuals affected with RAD50-related conditions. Advanced modeling of protein sequence and biophysical properties (such as structural, functional, and spatial information, amino acid conservation, physicochemical variation, residue mobility, and thermodynamic stability) performed at Invitae indicates that this missense variant is not expected to disrupt RAD50 protein function. In summary, the available evidence is currently insufficient to determine the role of this variant in disease. Therefore, it has been classified as a Variant of Uncertain Significance.